The following is an entry in ClinVar:

ClinVar aggregate classification (germline): Conflicting classifications of pathogenicity. Review status: criteria provided, conflicting classifications (1 of 4 stars). 5 submissions from 5 submitters: Likely pathogenic (2); Uncertain significance (2). 1 of the submissions does not count toward it. Last evaluated 2025-02-26.

Conditions:
Hereditary cancer-predisposing syndrome. Also called: Neoplastic Syndromes, Hereditary; Tumor predisposition; Hereditary neoplastic syndrome; Hereditary Cancer Syndrome. Identifiers: Orphanet 140162, MedGen C0027672, MeSH D009386, MONDO:0015356.
Hereditary breast ovarian cancer syndrome. Also called: Hereditary breast and ovarian cancer syndrome; Hereditary breast and ovarian cancer; Hereditary breast and ovarian cancer syndrome (HBOC); Breast and ovarian cancer; Hereditary breast and/or ovarian cancer syndrome; BRCA1- and BRCA2-Associated Hereditary Breast and Ovarian Cancer. Identifiers: Orphanet 145, MedGen C0677776, MeSH D061325, MONDO:0003582. Disease mechanism: loss of function.
Breast-ovarian cancer, familial, susceptibility to, 2 (BROVCA2). Also called: BRCA2 Hereditary Breast and Ovarian Cancer. Identifiers: Orphanet 145, MedGen C2675520, MONDO:0012933, OMIM 612555. Disease mechanism: loss of function.

Submissions (5):

Ambry Genetics
Classification: Likely pathogenic for Hereditary cancer-predisposing syndrome. Last evaluated: 2025-02-26. Review status: criteria provided, single submitter. Criteria: Ambry Variant Classification Scheme 2023. Collection method: clinical testing. Allele origin: germline.
Comment: The p.W2788S variant (also known as c.8363G>C), located in coding exon 18 of the BRCA2 gene, results from a G to C substitution at nucleotide position 8363. The tryptophan at codon 2788 is replaced by serine, an amino acid with highly dissimilar properties. This alteration, as well as a close match alteration at the same codon (p.W2788R) were found non-functional in a homology-directed DNA repair (HDR) assay (Guidugli L et al. Am. J. Hum. Genet., 2018 02;102:233-248). This amino acid position is highly conserved in available vertebrate species. In addition, this alteration is predicted to be deleterious by in silico analysis. This variant is considered to be rare based on population cohorts in the Genome Aggregation Database (gnomAD). Based on the majority of available evidence to date, this variant is likely to be pathogenic.

Labcorp Genetics (formerly Invitae), Labcorp
Classification: Uncertain significance for Hereditary breast ovarian cancer syndrome. Last evaluated: 2024-05-12. Review status: criteria provided, single submitter. Criteria: Invitae Variant Classification Sherloc (09022015). Collection method: clinical testing. Allele origin: germline.
Comment: This sequence change replaces tryptophan, which is neutral and slightly polar, with serine, which is neutral and polar, at codon 2788 of the BRCA2 protein (p.Trp2788Ser). This variant is not present in population databases (gnomAD no frequency). This missense change has been observed in individual(s) with breast cancer (PMID: 36881271). ClinVar contains an entry for this variant (Variation ID: 52565). Advanced modeling performed at Invitae incorporating data from internal and/or published experimental studies (PMID: 33609447) indicates that this missense variant is expected to disrupt BRCA2 function with a positive predictive value of 95%. In summary, the available evidence is currently insufficient to determine the role of this variant in disease. Therefore, it has been classified as a Variant of Uncertain Significance.

Color Diagnostics, LLC DBA Color Health
Classification: Uncertain significance for Hereditary cancer-predisposing syndrome. Last evaluated: 2022-01-24. Review status: criteria provided, single submitter. Criteria: ACMG Guidelines, 2015. Collection method: clinical testing. Allele origin: germline.
Comment: This missense variant replaces tryptophan with serine at codon 2788 of the BRCA2 protein. Computational prediction suggests that this variant may have deleterious impact on protein structure and function (internally defined REVEL score threshold >= 0.7, PMID: 27666373). Functional studies have shown that this variant reduces BRCA2 function in homology-mediated repair assays (PMID: 29394989, 33609447). To our knowledge, this variant has not been reported in individuals affected with hereditary cancer in the literature. This variant has not been identified in the general population by the Genome Aggregation Database (gnomAD). The available evidence is insufficient to determine the role of this variant in disease conclusively. Therefore, this variant is classified as a Variant of Uncertain Significance.

Cancer Variant Interpretation Group UK, Institute of Cancer Research, London
Classification: Likely pathogenic for Hereditary Breast and Ovarian Cancer. Last evaluated: 2018-11-23. Review status: criteria provided, single submitter. Criteria: ACMG Guidelines, 2015. Collection method: curation. Allele origin: germline.
Comment: Data used in classification: The frequency of this variant is 0/138,632 individuals (gnomAD) (PM2_mod). This variant is predicted deleterious on AlignGVGD (class: C65), SIFT (Deleterious), Polyphen2 HumVar (probably damaging) and CADD (23.3) (PP3_sup). The variant is in the DNA-binding domain of BRCA2 (PM1_sup). In the VarCall Bayesian statistical model for VUS classification using functional assay data (Guidugli et al Am J Hum Genet 2018; 102:233-248, Couch Lab), the variant has a probability of being deleterious of 0.99 and an overall classification of pathogenic (PS3_strong). Data not used in classification: There are additional reports of this variant in ClinVar (1), BIC (1), and BRCA2 LOVD (1).

Breast Cancer Information Core (BIC) (BRCA2)
Classification: Uncertain significance for Breast-ovarian cancer, familial 2. Last evaluated: 2003-12-23. Review status: no assertion criteria provided. Collection method: clinical testing. Allele origin: germline. Affected: yes. Observed: 1 variant allele. Not counted in ClinVar's aggregate classification.

Literature cited by the submitters: PubMed 19043619 (cited by Ambry Genetics); PubMed 29394989 (cited by 3 submitters); PubMed 29884841 (cited by Ambry Genetics); PubMed 33293522 (cited by Ambry Genetics); PubMed 33609447 (cited by 3 submitters); PubMed 36881271 (cited by Labcorp Genetics (formerly Invitae), Labcorp).

NM_000059.4(BRCA2):c.8363G>C (p.Trp2788Ser)

Gene: BRCA2 (BRCA2 DNA repair associated; plus strand). Cytogenetic location: 13q13.1.
Variant type: single nucleotide variant.
Coding change: c.8363G>C on transcript NM_000059.4 (MANE Select); coding-DNA position 8363, G replaced by C.
Protein change: p.Trp2788Ser; replaces tryptophan 2788 with serine.
Molecular consequence: missense variant.
Genome position (GRCh38, 1-based): chr13:32,370,433, G>C. VCF-style: chr13-32370433-G-C. GRCh37 (hg19) VCF-style: chr13-32944570-G-C.
Other names: short protein forms W2788S.
Identifiers: ClinVar variation 52565 (VCV000052565.12), dbSNP rs80359080, ClinGen allele CA025604.